The following is an entry in ClinVar:

NM_000051.4(ATM):c.7848G>A (p.Met2616Ile)

Genes: ATM (ATM serine/threonine kinase; plus strand), C11orf65 (chromosome 11 open reading frame 65; minus strand). Cytogenetic location: 11q22.3.
Variant type: single nucleotide variant.
Coding change: c.7848G>A on transcript NM_000051.4 (MANE Select); coding-DNA position 7848, G replaced by A.
Protein change: p.Met2616Ile; replaces methionine 2616 with isoleucine.
Molecular consequence: missense variant. On other transcripts: intron variant (2).
Genome position (GRCh38, 1-based): chr11:108,332,821, G>A. VCF-style: chr11-108332821-G-A. GRCh37 (hg19) VCF-style: chr11-108203548-G-A.
Other names: c.7848G>A, p.Met2616Ile (NM_001351834.2); c.641-23750C>T (NM_001330368.2); c.*38+2399C>T (NM_001351110.2); short protein forms M2616I.
Identifiers: ClinVar variation 1692966 (VCV001692966.2), dbSNP rs2136565782, ClinGen allele CA382561361.

ClinVar aggregate classification (germline): Uncertain significance. Review status: criteria provided, multiple submitters, no conflicts (2 of 4 stars). 3 submissions from 3 submitters: Uncertain significance (3). Last evaluated 2025-07-25.

Conditions:
Hereditary cancer-predisposing syndrome. Also called: Hereditary neoplastic syndrome; Neoplastic Syndromes, Hereditary; Tumor predisposition; Hereditary Cancer Syndrome. Identifiers: Orphanet 140162, MedGen C0027672, MeSH D009386, MONDO:0015356.
Ataxia-telangiectasia syndrome (AT). Also called: Ataxia telangiectasia (A-T); LOUIS-BAR SYNDROME; Cerebello-oculocutaneous telangiectasia; Immunodeficiency with ataxia telangiectasia; Ataxia-telangiectasia, complementation group D; AT, COMPLEMENTATION GROUP C. Identifiers: Orphanet 100, MedGen C0004135, MONDO:0008840, OMIM 208900.

Allele frequency attached by ClinVar (database versions not stated): gnomAD exomes below 0.00001.
gnomAD v4.1: 1 of 1,613,278 alleles (0.000062%); highest among the groups gnomAD compares: Non-Finnish European, 0.000085%; no homozygotes.

Submissions (3):

Labcorp Genetics (formerly Invitae), Labcorp
Classification: Uncertain significance for Ataxia-telangiectasia syndrome. Last evaluated: 2025-07-25. Review status: criteria provided, single submitter. Criteria: Invitae Variant Classification Sherloc (09022015). Collection method: clinical testing. Allele origin: germline.
Comment: This sequence change replaces methionine, which is neutral and non-polar, with isoleucine, which is neutral and non-polar, at codon 2616 of the ATM protein (p.Met2616Ile). This variant is not present in population databases (gnomAD no frequency). This variant has not been reported in the literature in individuals affected with ATM-related conditions. ClinVar contains an entry for this variant (Variation ID: 1692966). Invitae Evidence Modeling of protein sequence and biophysical properties (such as structural, functional, and spatial information, amino acid conservation, physicochemical variation, residue mobility, and thermodynamic stability) indicates that this missense variant is not expected to disrupt ATM protein function with a negative predictive value of 95%. Algorithms developed to predict the effect of sequence changes on RNA splicing suggest that this variant may disrupt the consensus splice site. In summary, the available evidence is currently insufficient to determine the role of this variant in disease. Therefore, it has been classified as a Variant of Uncertain Significance.

Ambry Genetics
Classification: Uncertain significance for Hereditary cancer-predisposing syndrome. Last evaluated: 2025-01-22. Review status: criteria provided, single submitter. Criteria: Ambry Variant Classification Scheme 2023. Collection method: clinical testing. Allele origin: germline.
Comment: The p.M2616I variant (also known as c.7848G>A), located in coding exon 52 of the ATM gene, results from a G to A substitution at nucleotide position 7848. The methionine at codon 2616 is replaced by isoleucine, an amino acid with highly similar properties. This amino acid position is highly conserved in available vertebrate species. In addition, the in silico prediction for this alteration is inconclusive. RNA studies have demonstrated that this alteration results in an incomplete splice defect; the clinical impact of this abnormal splicing is unknown at this time (Ambry internal data). Based on the available evidence, the clinical significance of this variant remains unclear.

Sema4
Classification: Uncertain significance for Hereditary cancer-predisposing syndrome. Last evaluated: 2021-09-09. Review status: criteria provided, single submitter. Criteria: Sema4 Curation Guidelines. Collection method: curation. Allele origin: germline.
Comment: To the best of our knowledge, the ATM c.7848G>A (p.M2616I) variant has not been reported in individuals with ATM-related disease. This variant is not reported in the population database Genome Aggregation Database (PMID: 32461654) and has not been reported in ClinVar. Functional studies have not been performed, and in silico predictions of the variant's effect on protein function are inconclusive. Based on the current evidence available, this variant is interpreted as a variant of uncertain significance.